The following is an entry in ClinVar:

ClinVar aggregate classification (germline): Uncertain significance. Review status: criteria provided, multiple submitters, no conflicts (2 of 4 stars). 2 submissions from 2 submitters: Uncertain significance (2). Last evaluated 2025-09-21.

Conditions:
Alagille syndrome due to a JAG1 point mutation. Also called: JAG1-Related Alagille Syndrome; HEPATIC DUCTULAR HYPOPLASIA, SYNDROMATIC; Alagille Syndrome 1. Identifiers: Orphanet 261619, Orphanet 52, MedGen C1956125, MONDO:0016862, OMIM 118450.

Submissions (2):

GeneDx
Classification: Uncertain significance. Last evaluated: 2025-09-21. Review status: criteria provided, single submitter. Criteria: GeneDx Variant Classification Process June 2021. Collection method: clinical testing. Allele origin: germline. Affected: yes.
Comment: Not observed at significant frequency in large population cohorts (gnomAD); In silico analysis suggests that this missense variant does not alter protein structure/function; Has not been previously published as pathogenic or benign to our knowledge

Labcorp Genetics (formerly Invitae), Labcorp
Classification: Uncertain significance for Alagille syndrome due to a JAG1 point mutation. Last evaluated: 2022-08-16. Review status: criteria provided, single submitter. Criteria: Invitae Variant Classification Sherloc (09022015). Collection method: clinical testing. Allele origin: germline.
Comment: In summary, the available evidence is currently insufficient to determine the role of this variant in disease. Therefore, it has been classified as a Variant of Uncertain Significance. Advanced modeling of protein sequence and biophysical properties (such as structural, functional, and spatial information, amino acid conservation, physicochemical variation, residue mobility, and thermodynamic stability) performed at Invitae indicates that this missense variant is not expected to disrupt JAG1 protein function. This variant has not been reported in the literature in individuals affected with JAG1-related conditions. This variant is not present in population databases (gnomAD no frequency). This sequence change replaces aspartic acid, which is acidic and polar, with glutamic acid, which is acidic and polar, at codon 377 of the JAG1 protein (p.Asp377Glu).

NM_000214.3(JAG1):c.1131C>A (p.Asp377Glu)

Gene: JAG1 (jagged canonical Notch ligand 1; minus strand). Cytogenetic location: 20p12.2.
Variant type: single nucleotide variant.
Coding change: c.1131C>A on transcript NM_000214.3 (MANE Select); coding-DNA position 1131, C replaced by A.
Protein change: p.Asp377Glu; replaces aspartic acid 377 with glutamic acid.
Molecular consequence: missense variant.
Genome position (GRCh38, 1-based): chr20:10,650,350, G>T on the plus strand (C>A on the coding strand, the complement: JAG1 is on the minus strand). VCF-style: chr20-10650350-G-T. GRCh37 (hg19) VCF-style: chr20-10630998-G-T.
Other names: c.1131C>A (NM_000214.2); short protein forms D377E.
Identifiers: ClinVar variation 2124821 (VCV002124821.6), dbSNP rs2514519253, ClinGen allele CA408238592.